The following is an entry in ClinVar:

ClinVar aggregate classification (germline): Likely benign (1 of 4 stars; one submission).

gnomAD v4.1: 2 of 1,613,924 alleles (0.00012%); highest among the groups gnomAD compares: Non-Finnish European, 0.000085%; no homozygotes.

Submission:

CeGaT Center for Human Genetics Tuebingen
Classification: Likely benign. Last evaluated: 2026-07-01. Review status: criteria provided, single submitter. Criteria: CeGaT Center For Human Genetics Tuebingen Variant Classification Criteria Version 2. Collection method: clinical testing. Allele origin: germline. Affected: yes. Observed: 1 variant allele.
Comment: ABCC9: BP4, BP7

NM_020297.4(ABCC9):c.4600T>C (p.Leu1534=)

Genes: ABCC9 (ATP binding cassette subfamily C member 9; minus strand), KCNJ8-AS1 (KCNJ8 antisense RNA 1; plus strand). Cytogenetic location: 12p12.1.
Variant type: single nucleotide variant.
Coding change: c.4600T>C on transcript NM_020297.4 (MANE Select); coding-DNA position 4600, T replaced by C.
Protein change: p.Leu1534=; no amino-acid change (leucine 1534 retained).
Molecular consequence: synonymous variant. On other transcripts: 3 prime UTR variant (1).
Genome position (GRCh38, 1-based): chr12:21,801,094, A>G on the plus strand (T>C on the coding strand, the complement: ABCC9 is on the minus strand). VCF-style: chr12-21801094-A-G. GRCh37 (hg19) VCF-style: chr12-21954028-A-G.
Other names: c.4600T>C, p.Leu1534= (NM_001377273.1); c.3733T>C, p.Leu1245= (NM_001377274.1); c.*126T>C (NM_005691.4).
Identifiers: ClinVar variation 5039240 (VCV005039240.1).